The following is an entry in ClinVar:

NM_001329984.2(SRGAP2C):c.629C>T (p.Thr210Met)

Genes: SRGAP2-AS1 (SRGAP2 antisense RNA 1; minus strand), SRGAP2C (SLIT-ROBO Rho GTPase activating protein 2C; plus strand). Cytogenetic location: 1p11.2.
Variant type: single nucleotide variant.
Coding change: c.629C>T on transcript NM_001329984.2 (MANE Select); coding-DNA position 629, C replaced by T.
Protein change: p.Thr210Met; replaces threonine 210 with methionine.
Molecular consequence: missense variant.
Genome position (GRCh38, 1-based): chr1:121,374,113, C>T. VCF-style: chr1-121374113-C-T. GRCh37 (hg19) VCF-style: chr1-121115974-C-T.
Other names: c.629C>T, p.Thr210Met (NM_001271872.3); short protein forms T210M.
Identifiers: ClinVar variation 2639057 (VCV002639057.24), dbSNP rs587751643, ClinGen allele CA1041592.

ClinVar aggregate classification (germline): Likely benign (1 of 4 stars; one submission).

Allele frequency attached by ClinVar (database versions not stated): gnomAD exomes 0.00033; ExAC 0.00048; 1000 Genomes Project 30x 0.00094; 1000 Genomes Project 0.00160.

Submission:

CeGaT Center for Human Genetics Tuebingen
Classification: Likely benign. Last evaluated: 2023-03-01. Review status: criteria provided, single submitter. Criteria: CeGaT Center For Human Genetics Tuebingen Variant Classification Criteria Version 2. Collection method: clinical testing. Allele origin: germline. Affected: yes. Observed: 1 variant allele.
Comment: SRGAP2C: BS2